The following is an entry in ClinVar:

ClinVar aggregate classification (germline): Benign/Likely benign. Review status: criteria provided, multiple submitters, no conflicts (2 of 4 stars). 6 submissions from 6 submitters: Benign (3); Likely benign (3). Last evaluated 2025-12-16.

Conditions:
ILDR1-related disorder. Also called: ILDR1-related condition.

Allele frequency attached by ClinVar (database versions not stated): gnomAD exomes 0.00026 and 0.00062; ExAC 0.00091; gnomAD 0.00264 and 0.00282; TOPMed 0.00325; 1000 Genomes Project 0.00339; ESP Exome Variant Server 0.00361; 1000 Genomes Project 30x 0.00375.
gnomAD v4.1: 803 of 1,613,972 alleles (0.05%); highest among the groups gnomAD compares: African/African-American, 0.98%; 2 homozygotes.

Submissions (6):

Labcorp Genetics (formerly Invitae), Labcorp
Classification: Benign. Last evaluated: 2025-12-16. Review status: criteria provided, single submitter. Criteria: Invitae Variant Classification Sherloc (09022015). Collection method: clinical testing. Allele origin: germline.

PreventionGenetics, part of Exact Sciences
Classification: Benign for ILDR1-related condition. Last evaluated: 2024-10-10. Review status: criteria provided, single submitter. Criteria: ACMG Guidelines, 2015. Collection method: clinical testing. Allele origin: germline.
Comment: This variant is classified as benign based on ACMG/AMP sequence variant interpretation guidelines (Richards et al. 2015 PMID: 25741868, with internal and published modifications).

Blueprint Genetics
Classification: Likely benign. Last evaluated: 2024-09-09. Review status: criteria provided, single submitter. Criteria: ACMG Guidelines, 2015. Collection method: clinical testing. Allele origin: germline.

GeneDx
Classification: Likely benign. Last evaluated: 2020-09-14. Review status: criteria provided, single submitter. Criteria: GeneDx Variant Classification Process June 2021. Collection method: clinical testing. Allele origin: germline. Affected: yes.

Laboratory for Molecular Medicine, Mass General Brigham Personalized Medicine
Classification: Benign. Last evaluated: 2012-04-30. Review status: criteria provided, single submitter. Criteria: LMM Criteria. Collection method: clinical testing. Allele origin: germline. Observed: 3 variant alleles.
Comment: Arg442Arg in Exon 07 of ILDR1: This variant is not expected to have clinical sig nificance because it does not alter an amino acid residue, is not located within the splice consensus sequence, and has been identified in 1.1% (42/3738) of Afr ican American chromosomes from a broad population by the NHLBI Exome Sequencing Project (dbSNP rs148350512).

Breakthrough Genomics
Classification: Likely benign. Review status: criteria provided, single submitter. Criteria: ACMG Guidelines, 2015. Collection method: not provided. Allele origin: germline. Inheritance: Autosomal recessive inheritance. Affected: yes.

NM_001199799.2(ILDR1):c.1326C>A (p.Arg442=)

Gene: ILDR1 (immunoglobulin like domain containing receptor 1; minus strand). Cytogenetic location: 3q13.33.
Variant type: single nucleotide variant.
Coding change: c.1326C>A on transcript NM_001199799.2 (MANE Select); coding-DNA position 1326, C replaced by A.
Protein change: p.Arg442=; no amino-acid change (arginine 442 retained).
Molecular consequence: synonymous variant.
Genome position (GRCh38, 1-based): chr3:121,993,423, G>T on the plus strand (C>A on the coding strand, the complement: ILDR1 is on the minus strand). VCF-style: chr3-121993423-G-T. GRCh37 (hg19) VCF-style: chr3-121712270-G-T.
Other names: c.1059C>A, p.Arg353= (NM_001199800.2); c.1194C>A, p.Arg398= (NM_175924.4).
Identifiers: ClinVar variation 178381 (VCV000178381.16), dbSNP rs148350512, ClinGen allele CA182221.